The following is an entry in ClinVar:

ClinVar aggregate classification (germline): Uncertain significance (1 of 4 stars; one submission).

Conditions:
Acute myeloid leukemia (AML). Also called: Leukemia, acute myeloid, somatic; Leukemia, acute myelogenous, somatic; Acute myeloid leukemia, adult; AML adult; Acute non-lymphocytic leukemia; Acute granulocytic leukemia. Identifiers: Orphanet 519, MedGen C0023467, MeSH D015470, MONDO:0018874, OMIM 601626, HP:0004808. Disease mechanism: Constitutively activated FLT3.

Submission:

Labcorp Genetics (formerly Invitae), Labcorp
Classification: Uncertain significance for Acute myeloid leukemia. Last evaluated: 2021-05-12. Review status: criteria provided, single submitter. Criteria: Invitae Variant Classification Sherloc (09022015). Collection method: clinical testing. Allele origin: germline.
Comment: In summary, the available evidence is currently insufficient to determine the role of this variant in disease. Therefore, it has been classified as a Variant of Uncertain Significance. Algorithms developed to predict the effect of missense changes on protein structure and function are either unavailable or do not agree on the potential impact of this missense change (SIFT: "Tolerated"; PolyPhen-2: "Possibly Damaging"; Align-GVGD: "Class C0"). This variant has not been reported in the literature in individuals with CEBPA-related conditions. The frequency data for this variant in the population databases is considered unreliable, as metrics indicate insufficient coverage at this position in the ExAC database. This sequence change replaces serine with arginine at codon 85 of the CEBPA protein (p.Ser85Arg). The serine residue is moderately conserved and there is a moderate physicochemical difference between serine and arginine.

NM_004364.5(CEBPA):c.255C>A (p.Ser85Arg)

Gene: CEBPA (CCAAT enhancer binding protein alpha; minus strand). Cytogenetic location: 19q13.11.
Variant type: single nucleotide variant.
Coding change: c.255C>A on transcript NM_004364.5 (MANE Select); coding-DNA position 255, C replaced by A.
Protein change: p.Ser85Arg; replaces serine 85 with arginine.
Molecular consequence: missense variant. On other transcripts: 5 prime UTR variant (1).
Genome position (GRCh38, 1-based): chr19:33,302,160, G>T on the plus strand (C>A on the coding strand, the complement: CEBPA is on the minus strand). VCF-style: chr19-33302160-G-T. GRCh37 (hg19) VCF-style: chr19-33793066-G-T.
Other names: c.-103C>A (NM_001285829.2); c.360C>A, p.Ser120Arg (NM_001287424.2); c.213C>A, p.Ser71Arg (NM_001287435.2); short protein forms S71R, S120R, S85R.
Identifiers: ClinVar variation 1466907 (VCV001466907.8), dbSNP rs1424809396, ClinGen allele CA405275338.